The following is an entry in ClinVar:

ClinVar aggregate classification (germline): Uncertain significance (1 of 4 stars; one submission).

Conditions:
Generalized epilepsy with febrile seizures plus, type 9 (GEFSP9). Also called: GEFS+, TYPE 9. Identifiers: Orphanet 36387, MedGen C4015395, MONDO:0014517, OMIM 616172.

Submission:

Labcorp Genetics (formerly Invitae), Labcorp
Classification: Uncertain significance for Generalized epilepsy with febrile seizures plus, type 9. Last evaluated: 2025-02-07. Review status: criteria provided, single submitter. Criteria: Invitae Variant Classification Sherloc (09022015). Collection method: clinical testing. Allele origin: germline.
Comment: This sequence change replaces arginine, which is basic and polar, with glutamine, which is neutral and polar, at codon 4 of the STX1B protein (p.Arg4Gln). This variant is not present in population databases (gnomAD no frequency). This variant has not been reported in the literature in individuals affected with STX1B-related conditions. ClinVar contains an entry for this variant (Variation ID: 2967005). An algorithm developed to predict the effect of missense changes on protein structure and function (PolyPhen-2) suggests that this variant is likely to be disruptive. In summary, the available evidence is currently insufficient to determine the role of this variant in disease. Therefore, it has been classified as a Variant of Uncertain Significance.

NM_052874.5(STX1B):c.11G>A (p.Arg4Gln)

Gene: STX1B (syntaxin 1B; minus strand). Cytogenetic location: 16p11.2.
Variant type: single nucleotide variant.
Coding change: c.11G>A on transcript NM_052874.5 (MANE Select); coding-DNA position 11, G replaced by A.
Protein change: p.Arg4Gln; replaces arginine 4 with glutamine.
Molecular consequence: missense variant.
Genome position (GRCh38, 1-based): chr16:31,010,386, C>T on the plus strand (G>A on the coding strand, the complement: STX1B is on the minus strand). VCF-style: chr16-31010386-C-T. GRCh37 (hg19) VCF-style: chr16-31021707-C-T.
Other names: short protein forms R4Q.
Identifiers: ClinVar variation 2967005 (VCV002967005.3), dbSNP rs2543975567, ClinGen allele CA395654125.